The following is an entry in ClinVar:

ClinVar aggregate classification (germline): Uncertain significance (1 of 4 stars; one submission).

Submission:

GeneDx
Classification: Uncertain significance. Last evaluated: 2023-05-02. Review status: criteria provided, single submitter. Criteria: GeneDx Variant Classification Process June 2021. Collection method: clinical testing. Allele origin: germline. Affected: yes.
Comment: Not observed at significant frequency in large population cohorts (gnomAD); In silico analysis supports that this missense variant does not alter protein structure/function; Has not been previously published as pathogenic or benign to our knowledge

NM_001330288.2(SMARCC2):c.3286G>A (p.Val1096Met)

Gene: SMARCC2 (SWI/SNF related BAF chromatin remodeling complex subunit C2; minus strand). Cytogenetic location: 12q13.2.
Variant type: single nucleotide variant.
Coding change: c.3286G>A on transcript NM_001330288.2 (MANE Select); coding-DNA position 3286, G replaced by A.
Protein change: p.Val1096Met; replaces valine 1096 with methionine.
Molecular consequence: missense variant.
Genome position (GRCh38, 1-based): chr12:56,164,678, C>T on the plus strand (G>A on the coding strand, the complement: SMARCC2 is on the minus strand). VCF-style: chr12-56164678-C-T. GRCh37 (hg19) VCF-style: chr12-56558462-C-T.
Other names: c.3286G>A, p.Val1096Met (NM_001130420.3, NM_139067.4); c.3193G>A, p.Val1065Met (NM_003075.5); short protein forms V1065M, V1096M.
Identifiers: ClinVar variation 2663324 (VCV002663324.1), dbSNP rs2540838030, ClinGen allele CA385339189.